The following is an entry in ClinVar:

NM_005045.4(RELN):c.7299C>T (p.Asp2433=)

Gene: RELN (reelin; minus strand). Cytogenetic location: 7q22.1.
Variant type: single nucleotide variant.
Coding change: c.7299C>T on transcript NM_005045.4 (MANE Select); coding-DNA position 7299, C replaced by T.
Protein change: p.Asp2433=; no amino-acid change (aspartic acid 2433 retained).
Molecular consequence: synonymous variant.
Genome position (GRCh38, 1-based): chr7:103,535,366, G>A on the plus strand (C>T on the coding strand, the complement: RELN is on the minus strand). VCF-style: chr7-103535366-G-A. GRCh37 (hg19) VCF-style: chr7-103175813-G-A.
Other names: c.7299C>T, p.Asp2433= (NM_173054.3).
Identifiers: ClinVar variation 506854 (VCV000506854.1), dbSNP rs1554372988, ClinGen allele CA457030703.

ClinVar aggregate classification (germline): Likely benign (1 of 4 stars; one submission).

gnomAD v4.1: 1 of 1,614,070 alleles (0.000062%); highest among the groups gnomAD compares: Non-Finnish European, 0.000085%; no homozygotes.

Submission:

GeneDx
Classification: Likely benign. Last evaluated: 2017-01-24. Review status: criteria provided, single submitter. Criteria: GeneDx Variant Classification (06012015). Collection method: clinical testing. Allele origin: germline. Affected: yes.
Comment: This variant is considered likely benign or benign based on one or more of the following criteria: it is a conservative change, it occurs at a poorly conserved position in the protein, it is predicted to be benign by multiple in silico algorithms, and/or has population frequency not consistent with disease.